The following is an entry in ClinVar:

ClinVar aggregate classification (germline): Uncertain significance (1 of 4 stars; one submission).

Submission:

Labcorp Genetics (formerly Invitae), Labcorp
Classification: Uncertain significance. Last evaluated: 2022-02-22. Review status: criteria provided, single submitter. Criteria: Invitae Variant Classification Sherloc (09022015). Collection method: clinical testing. Allele origin: germline.
Comment: This variant has not been reported in the literature in individuals affected with TNFRSF11A-related conditions. In summary, the available evidence is currently insufficient to determine the role of this variant in disease. Therefore, it has been classified as a Variant of Uncertain Significance. This variant is not present in population databases (gnomAD no frequency). This variant, c.48_50dup, results in the insertion of 1 amino acid(s) of the TNFRSF11A protein (p.Leu17dup), but otherwise preserves the integrity of the reading frame.

NM_003839.4(TNFRSF11A):c.39GCT[5] (p.Leu17_Cys18insLeu)

Genes: TNFRSF11A (TNF receptor superfamily member 11a; plus strand), LOC130062628 (ATAC-STARR-seq lymphoblastoid silent region 9505; plus strand). Cytogenetic location: 18q21.33.
Variant type: Microsatellite.
Coding change: c.39GCT[5] on transcript NM_003839.4 (MANE Select); five copies in a row of the 3-base unit GCT starting at c.39; the reference has four copies in a row; one copy, 3 bases duplicated.
Protein change: p.Leu17_Cys18insLeu.
Molecular consequence: inframe insertion.
Genome position (GRCh38, 1-based): chr18:62,325,400-62,325,402, GCT duplicated; duplicating any 3 consecutive bases within chr18:62,325,391-62,325,402 gives the same sequence; the position shown is the placement nearest the transcript's 3' end. VCF-style (leftmost placement, unchanged base first): chr18-62325390-C-CGCT. GRCh37 (hg19) VCF-style: chr18-59992623-C-CGCT.
Other names: c.39GCT[5], p.Leu17_Cys18insLeu (NM_001270949.2, NM_001270950.2, NM_001270951.2 and 1 more transcripts).
Identifiers: ClinVar variation 2101966 (VCV002101966.4), dbSNP rs1232105040, ClinGen allele CA991032274.